The following is an entry in ClinVar:

ClinVar aggregate classification (germline): Uncertain significance. Review status: criteria provided, multiple submitters, no conflicts (2 of 4 stars). 2 submissions from 2 submitters: Uncertain significance (2). Last evaluated 2023-04-14.

Conditions:
Inborn genetic diseases. Identifiers: MedGen C0950123, MeSH D030342.
Xeroderma pigmentosum (XP). Identifiers: Orphanet 910, MedGen C0043346, MONDO:0019600.

Allele frequency attached by ClinVar (database versions not stated): gnomAD 0.00001.

Submissions (2):

Ambry Genetics
Classification: Uncertain significance for Inborn genetic diseases. Last evaluated: 2023-04-14. Review status: criteria provided, single submitter. Criteria: Ambry Variant Classification Scheme 2023. Collection method: clinical testing. Allele origin: germline.
Comment: The p.I632L variant (also known as c.1894A>C), located in coding exon 20 of the ERCC2 gene, results from an A to C substitution at nucleotide position 1894. The isoleucine at codon 632 is replaced by leucine, an amino acid with highly similar properties. This amino acid position is conserved. In addition, the in silico prediction for this alteration is inconclusive. Since supporting evidence is limited at this time, the clinical significance of this alteration remains unclear.

Sema4
Classification: Uncertain significance for Xeroderma pigmentosum. Last evaluated: 2021-11-22. Review status: criteria provided, single submitter. Criteria: Sema4 Curation Guidelines. Collection method: curation. Allele origin: germline.
Comment: The ERCC2 c.1894A>C (p.Ile632Leu) variant has not been reported in the literature to our knowledge. It was not observed in the large and broad cohorts of the Genome Aggregation Database (PMID: 32461654). Functional studies have not been performed, and in silico predictions of the variant's effect on protein function are inconclusive. The evidence is insufficient to meet ACMG/AMP criteria for classifying the variant as benign or pathogenic. Thus, the clinical significance of this variant is currently uncertain.

NM_000400.4(ERCC2):c.1894A>C (p.Ile632Leu)

Gene: ERCC2 (ERCC excision repair 2, TFIIH core complex helicase subunit; minus strand). Cytogenetic location: 19q13.32.
Variant type: single nucleotide variant.
Coding change: c.1894A>C on transcript NM_000400.4 (MANE Select); coding-DNA position 1894, A replaced by C.
Protein change: p.Ile632Leu; replaces isoleucine 632 with leucine.
Molecular consequence: missense variant.
Genome position (GRCh38, 1-based): chr19:45,352,754, T>G on the plus strand (A>C on the coding strand, the complement: ERCC2 is on the minus strand). VCF-style: chr19-45352754-T-G. GRCh37 (hg19) VCF-style: chr19-45856012-T-G.
Other names: short protein forms I632L.
Identifiers: ClinVar variation 1692431 (VCV001692431.3), dbSNP rs1027684347, ClinGen allele CA406363704.